The following is an entry in ClinVar:

ClinVar aggregate classification (germline): Uncertain significance (1 of 4 stars; one submission).

Conditions:
Inborn genetic diseases. Identifiers: MedGen C0950123, MeSH D030342.

gnomAD v4.1: 2 of 1,614,050 alleles (0.00012%); highest among the groups gnomAD compares: Non-Finnish European, 0.00017%; no homozygotes.

Submission:

Ambry Genetics
Classification: Uncertain significance for Inborn genetic diseases. Last evaluated: 2025-08-31. Review status: criteria provided, single submitter. Criteria: Ambry Variant Classification Scheme 2023. Collection method: clinical testing. Allele origin: germline.
Comment: The p.T1599I variant (also known as c.4796C>T), located in coding exon 32 of the ANKRD26 gene, results from a C to T substitution at nucleotide position 4796. The threonine at codon 1599 is replaced by isoleucine, an amino acid with similar properties. This amino acid position is conserved. In addition, this alteration is predicted to be tolerated by in silico analysis. Based on the available evidence, the clinical significance of this variant remains unclear.

NM_014915.3(ANKRD26):c.4796C>T (p.Thr1599Ile)

Gene: ANKRD26 (ankyrin repeat domain containing 26; minus strand). Cytogenetic location: 10p12.1.
Variant type: single nucleotide variant.
Coding change: c.4796C>T on transcript NM_014915.3 (MANE Select); coding-DNA position 4796, C replaced by T.
Protein change: p.Thr1599Ile; replaces threonine 1599 with isoleucine.
Molecular consequence: missense variant.
Genome position (GRCh38, 1-based): chr10:27,013,039, G>A on the plus strand (C>T on the coding strand, the complement: ANKRD26 is on the minus strand). VCF-style: chr10-27013039-G-A. GRCh37 (hg19) VCF-style: chr10-27301968-G-A.
Other names: c.4793C>T, p.Thr1598Ile (NM_001256053.2); short protein forms T1599I, T1598I.
Identifiers: ClinVar variation 4104589 (VCV004104589.1).
Genomic context (GRCh38, chr10:27,013,039, plus strand): 5'-AAACTATTATTAAGATTTCCCACACAAGGTGGCTCCATGACTGGCCTGGTAGTGAGAGTG[G>A]TGAACAAAGATCTGCTCTGCTGTTTTTCCACAAGAAGTTTGGTGTTGACCTCTGCTAGCC-3'
Protein context (NP_055730.2, residues 1589-1609): VEKQQSRSLF[Thr1599Ile]TLTTRPVMEP